The following is an entry in ClinVar:

NM_020975.6(RET):c.1233C>T (p.Ser411=)

Gene: RET (ret proto-oncogene; plus strand). Cytogenetic location: 10q11.21.
Variant type: single nucleotide variant.
Coding change: c.1233C>T on transcript NM_020975.6 (MANE Select); coding-DNA position 1233, C replaced by T.
Protein change: p.Ser411=; no amino-acid change (serine 411 retained).
Molecular consequence: synonymous variant. On other transcripts: intron variant (18).
Genome position (GRCh38, 1-based): chr10:43,109,200, C>T. VCF-style: chr10-43109200-C-T. GRCh37 (hg19) VCF-style: chr10-43604648-C-T.
Other names: c.1233C>T, p.Ser411= (NM_000323.2, NM_001406743.1, NM_001406744.1 and 6 more transcripts); c.471C>T, p.Ser157= (NM_001355216.2); c.1104C>T, p.Ser368= (NM_001406761.1, NM_001406762.1, NM_001406764.1 and 1 more transcripts); c.945C>T, p.Ser315= (NM_001406766.1, NM_001406767.1, NM_001406770.1); c.795C>T, p.Ser265= (NM_001406771.1, NM_001406773.1); c.507C>T, p.Ser169= (NM_001406775.1, NM_001406776.1, NM_001406777.1 and 1 more transcripts); c.243C>T, p.Ser81= (NM_001406784.1); c.868-2007C>T (NM_001406772.1, NM_001406769.1); and 5 more.
Identifiers: ClinVar variation 1124191 (VCV001124191.13), dbSNP rs779374978, ClinGen allele CA032233.
Genomic context (GRCh38, chr10:43,109,200, plus strand): 5'-CCACTTCAACGTGTCGGTGCTGCCGGTCAGCCTGCACCTGCCCAGTACCTACTCCCTCTC[C>T]GTGAGCAGGAGGGCTCGCCGATTTGCCCAGGTGAGCCCATACCTATTGCCTGTCTGGGGA-3'
Protein context (NP_066124.1, residues 401-421): SLHLPSTYSL[Ser411=]VSRRARRFAQ

ClinVar aggregate classification (germline): Likely benign. Review status: criteria provided, multiple submitters, no conflicts (2 of 4 stars). 3 submissions from 3 submitters: Likely benign (3). Last evaluated 2025-09-28.

Conditions:
Hereditary cancer-predisposing syndrome. Also called: Hereditary neoplastic syndrome; Neoplastic Syndromes, Hereditary; Tumor predisposition; Hereditary Cancer Syndrome. Identifiers: Orphanet 140162, MedGen C0027672, MeSH D009386, MONDO:0015356.
Multiple endocrine neoplasia, type 2 (MEN2). Identifiers: Orphanet 653, MedGen C4048306, MONDO:0019003. Disease mechanism: gain of function.

Allele frequency attached by ClinVar (database versions not stated): ExAC 0.00001; gnomAD 0.00001; gnomAD exomes 0.00001; TOPMed 0.00002.
gnomAD v4.1: 14 of 1,613,544 alleles (0.00087%); highest among the groups gnomAD compares: African/African-American, 0.0027%; no homozygotes.

Submissions (3):

Labcorp Genetics (formerly Invitae), Labcorp
Classification: Likely benign for Multiple endocrine neoplasia, type 2. Last evaluated: 2025-09-28. Review status: criteria provided, single submitter. Criteria: Invitae Variant Classification Sherloc (09022015). Collection method: clinical testing. Allele origin: germline.

All of Us Research Program, National Institutes of Health
Classification: Likely benign for Multiple endocrine neoplasia, type 2. Last evaluated: 2024-04-16. Review status: criteria provided, single submitter. Criteria: ACMG Guidelines, 2015. Collection method: clinical testing. Allele origin: germline. Inheritance: Autosomal dominant inheritance. Observed: 1 variant allele, 1 heterozygote.
Comment: This study involves interpretation of variants in research participants for the purpose of population health screening. Participant phenotype was not available at the time of variant classification. Additional details can be found in publication PMID: 35346344, PMCID: PMC8962531

Ambry Genetics
Classification: Likely benign for Hereditary cancer-predisposing syndrome. Last evaluated: 2022-07-02. Review status: criteria provided, single submitter. Criteria: Ambry Variant Classification Scheme 2023. Collection method: clinical testing. Allele origin: germline.